The following is an entry in ClinVar:

ClinVar aggregate classification (germline): Uncertain significance. Review status: criteria provided, multiple submitters, no conflicts (2 of 4 stars). 3 submissions from 3 submitters: Uncertain significance (3). Last evaluated 2025-10-21.

Conditions:
BICC1-related disorder. Also called: BICC1-related condition.

Allele frequency attached by ClinVar (database versions not stated): gnomAD 0.00007; ExAC 0.00011; TOPMed 0.00012; ESP Exome Variant Server 0.00015; gnomAD exomes 0.00035.
gnomAD v4.1: 517 of 1,613,754 alleles (0.032%); highest among the groups gnomAD compares: Non-Finnish European, 0.042%; no homozygotes.

Submissions (3):

PreventionGenetics, part of Exact Sciences
Classification: Uncertain significance for BICC1-related condition. Last evaluated: 2025-10-21. Review status: criteria provided, single submitter. Criteria: ACMG Guidelines, 2015. Collection method: clinical testing. Allele origin: germline.
Comment: The BICC1 c.1622C>G variant is predicted to result in the amino acid substitution p.Thr541Arg. To our knowledge, this variant has not been reported in the literature. This variant is reported in 0.022% of alleles in individuals of European (Non-Finnish) descent in gnomAD. At this time, the clinical significance of this variant is uncertain due to the absence of conclusive functional and genetic evidence.

Labcorp Genetics (formerly Invitae), Labcorp
Classification: Uncertain significance. Last evaluated: 2024-04-27. Review status: criteria provided, single submitter. Criteria: Invitae Variant Classification Sherloc (09022015). Collection method: clinical testing. Allele origin: germline.
Comment: This sequence change replaces threonine, which is neutral and polar, with arginine, which is basic and polar, at codon 541 of the BICC1 protein (p.Thr541Arg). This variant is present in population databases (rs200961913, gnomAD 0.02%). This variant has not been reported in the literature in individuals affected with BICC1-related conditions. ClinVar contains an entry for this variant (Variation ID: 2358311). An algorithm developed to predict the effect of missense changes on protein structure and function (PolyPhen-2) suggests that this variant is likely to be tolerated. In summary, the available evidence is currently insufficient to determine the role of this variant in disease. Therefore, it has been classified as a Variant of Uncertain Significance.

Ambry Genetics
Classification: Uncertain significance. Last evaluated: 2022-04-07. Review status: criteria provided, single submitter. Criteria: Ambry Variant Classification Scheme 2023. Collection method: clinical testing. Allele origin: germline.

NM_001080512.3(BICC1):c.1622C>G (p.Thr541Arg)

Gene: BICC1 (BicC family RNA binding protein 1; plus strand). Cytogenetic location: 10q21.1.
Variant type: single nucleotide variant.
Coding change: c.1622C>G on transcript NM_001080512.3 (MANE Select); coding-DNA position 1622, C replaced by G.
Protein change: p.Thr541Arg; replaces threonine 541 with arginine.
Molecular consequence: missense variant.
Genome position (GRCh38, 1-based): chr10:58,799,149, C>G. VCF-style: chr10-58799149-C-G. GRCh37 (hg19) VCF-style: chr10-60558909-C-G.
Other names: c.1622C>G (NM_001080512.2); short protein forms T541R.
Identifiers: ClinVar variation 2358311 (VCV002358311.6), dbSNP rs200961913, ClinGen allele CA5508543.
Genomic context (GRCh38, chr10:58,799,149, plus strand): 5'-CTACTGCCCAAGCCACATTAACTAATATTTTGTTGTCTGGAGTGCCCACCTATGGGCACA[C>G]AGCTCCATCTCCCCCTCCTGGCTTGACTCCTGTTGATGTCCATATCAACAGTATGCAGAC-3'
Protein context (NP_001073981.1, residues 531-551): LLSGVPTYGH[Thr541Arg]APSPPPGLTP